The following is an entry in ClinVar:

ClinVar aggregate classification (germline): Pathogenic (1 of 4 stars; one submission).

Conditions:
Dyskeratosis congenita, autosomal recessive 6 (DKCB6). Identifiers: MedGen C4225356, MONDO:0014600, OMIM 616353.
Pulmonary fibrosis and/or bone marrow failure, Telomere-related, 4. Also called: PULMONARY FIBROSIS AND/OR BONE MARROW FAILURE SYNDROME, TELOMERE-RELATED, 4. Identifiers: Orphanet 2032, MedGen C4225347, MONDO:0014612, OMIM 616371.

Submission:

Labcorp Genetics (formerly Invitae), Labcorp
Classification: Pathogenic for Dyskeratosis congenita, autosomal recessive 6; Pulmonary fibrosis and/or bone marrow failure, Telomere-related, 4. Last evaluated: 2023-08-29. Review status: criteria provided, single submitter. Criteria: Invitae Variant Classification Sherloc (09022015). Collection method: clinical testing. Allele origin: germline.
Comment: This variant is a gross deletion of the genomic region encompassing exon(s) 6 of the PARN gene. This deletion is out-of-frame, and is expected to create a premature termination codon and result in an absent or disrupted protein product. Loss-of-function variants in PARN are known to be pathogenic (PMID: 9736620, 25848748, 26810774). For these reasons, this variant has been classified as Pathogenic. This variant has not been reported in the literature in individuals affected with PARN-related conditions.

Literature cited by the submitters: PubMed 9736620; PubMed 25848748; PubMed 26810774.

NC_000016.9:g.(?_14711427)_(14711527_?)del

Gene: PARN (poly(A)-specific ribonuclease; minus strand). Cytogenetic location: 16p13.12.
Variant type: Deletion.
Identifiers: ClinVar variation 2424488 (VCV002424488.8).